The following is an entry in ClinVar:

NM_004268.5(MED17):c.216_222del (p.Ala73fs)

Genes: MED17 (mediator complex subunit 17; plus strand), LOC130006596 (ATAC-STARR-seq lymphoblastoid silent region 3840; plus strand). Cytogenetic location: 11q21.
Variant type: Deletion.
Coding change: c.216_222del on transcript NM_004268.5 (MANE Select); coding-DNA positions 216 to 222, 7 bases deleted (CGCCGGG; older notation c.216_222delCGCCGGG).
Protein change: p.Ala73fs; shifts the reading frame from alanine 73.
Molecular consequence: frameshift variant.
Genome position (GRCh38, 1-based): chr11:93,784,729-93,784,735, CGCCGGG deleted; deleting any 7 consecutive bases within chr11:93,784,723-93,784,735 gives the same sequence; the c. name uses the placement nearest the transcript's 3' end. VCF-style (leftmost placement, unchanged base first): chr11-93784722-GGCCGGGC-G. GRCh37 (hg19) VCF-style: chr11-93517888-GGCCGGGC-G.
Other names: c.216_222delCGCCGGG (NM_004268.5); short protein forms A73fs.
Identifiers: ClinVar variation 4853258 (VCV004853258.1).

ClinVar aggregate classification (germline): Pathogenic (1 of 4 stars; one submission).

Conditions:
Infantile cerebral and cerebellar atrophy with postnatal progressive microcephaly (MSBA). Identifiers: Orphanet 402364, MedGen C3150921, MONDO:0013351, OMIM 613668.

Submission:

Women's Health and Genetics/Laboratory Corporation of America, LabCorp
Classification: Pathogenic for Infantile cerebral and cerebellar atrophy with postnatal progressive microcephaly. Last evaluated: 2026-05-12. Review status: criteria provided, single submitter. Criteria: LabCorp Variant Classification Summary - May 2015. Collection method: clinical testing. Allele origin: germline.
Comment: Variant summary: MED17 c.216_222delCGCCGGG (p.Ala73ProfsX12) results in a premature termination codon, predicted to cause a truncation of the encoded protein or absence of the protein due to nonsense mediated decay, which are commonly known mechanisms for disease. The frequency data for this variant in gnomAD is considered unreliable, as metrics indicate poor data quality at this position. To our knowledge, no occurrence of c.216_222delCGCCGGG in individuals affected with MED17-related conditions and no experimental evidence demonstrating its impact on protein function have been reported. No submitters have cited clinical-significance assessments for this variant to ClinVar. Based on the evidence outlined above, the variant was classified as pathogenic.